The following is an entry in ClinVar:

NM_001042492.3(NF1):c.3082_3088del (p.Asp1028fs)

Gene: NF1 (neurofibromin 1; plus strand). Cytogenetic location: 17q11.2.
Variant type: Deletion.
Coding change: c.3082_3088del on transcript NM_001042492.3 (MANE Select); coding-DNA positions 3082 to 3088, 7 bases deleted (GACCTCT; older notation c.3082_3088delGACCTCT).
Protein change: p.Asp1028fs; shifts the reading frame from aspartic acid 1028.
Molecular consequence: frameshift variant.
Genome position (GRCh38, 1-based): chr17:31,230,351-31,230,357, GACCTCT deleted; deleting any 7 consecutive bases within chr17:31,230,350-31,230,357 gives the same sequence; the c. name uses the placement nearest the transcript's 3' end. VCF-style (leftmost placement, unchanged base first): chr17-31230349-ATGACCTC-A. GRCh37 (hg19) VCF-style: chr17-29557367-ATGACCTC-A.
Other names: c.3082_3088delGACCTCT (NM_000267.3); c.3082_3088delGACCTCT, p.Asp1028Hisfs (NM_000267.4); short protein forms D1028fs.
Identifiers: ClinVar variation 1727377 (VCV001727377.5), dbSNP rs2508206796, ClinGen allele CA2580092838.
Genomic context (GRCh38, chr17:31,230,349, plus strand): 5'-ATGCAATTCAAATAAAAACGAAACTGTGTCAATTAGTTGAAGTAATGATGGCAAGGAGAG[ATGACCTC>A]TCATTTTGCCAAGAGATGAAATTTAGGTGAGTTCTCAAAAGAGCAATGTAGGGTCTTGTA-3'

ClinVar aggregate classification (germline): Pathogenic. Review status: criteria provided, multiple submitters, no conflicts (2 of 4 stars). 2 submissions from 2 submitters: Pathogenic (2). Last evaluated 2022-12-08.

Conditions:
Cardiovascular phenotype. Identifiers: MedGen CN230736.
Hereditary cancer-predisposing syndrome. Also called: Neoplastic Syndromes, Hereditary; Tumor predisposition; Hereditary Cancer Syndrome; Hereditary neoplastic syndrome. Identifiers: Orphanet 140162, MedGen C0027672, MeSH D009386, MONDO:0015356.
Neurofibromatosis, type 1 (NF1). Also called: VON RECKLINGHAUSEN DISEASE; NEUROFIBROMATOSIS, TYPE I, SOMATIC; Neurofibromatosis, type I; Peripheral type neurofibromatosis. Identifiers: Orphanet 636, MedGen C0027831, MONDO:0018975, OMIM 162200. Disease mechanism: loss of function.

Submissions (2):

Labcorp Genetics (formerly Invitae), Labcorp
Classification: Pathogenic for Neurofibromatosis, type 1. Last evaluated: 2022-12-08. Review status: criteria provided, single submitter. Criteria: Invitae Variant Classification Sherloc (09022015). Collection method: clinical testing. Allele origin: germline.
Comment: For these reasons, this variant has been classified as Pathogenic. ClinVar contains an entry for this variant (Variation ID: 1727377). This variant has not been reported in the literature in individuals affected with NF1-related conditions. This variant is not present in population databases (gnomAD no frequency). This sequence change creates a premature translational stop signal (p.Asp1028Hisfs*6) in the NF1 gene. It is expected to result in an absent or disrupted protein product. Loss-of-function variants in NF1 are known to be pathogenic (PMID: 10712197, 23913538).

Ambry Genetics
Classification: Pathogenic for Cardiovascular phenotype; Hereditary cancer-predisposing syndrome. Last evaluated: 2022-05-13. Review status: criteria provided, single submitter. Criteria: Ambry Variant Classification Scheme 2023. Collection method: clinical testing. Allele origin: germline.
Comment: The c.3082_3088delGACCTCT pathogenic mutation, located in coding exon 23 of the NF1 gene, results from a deletion of 7 nucleotides at nucleotide positions 3082 to 3088, causing a translational frameshift with a predicted alternate stop codon (p.D1028Hfs*6). This alteration has been observed in at least one individual with a personal and/or family history that is consistent with NF1-related disease (Ambry internal data). This variant is considered to be rare based on population cohorts in the Genome Aggregation Database (gnomAD). This alteration is expected to result in loss of function by premature protein truncation or nonsense-mediated mRNA decay. As such, this alteration is interpreted as a disease-causing mutation.

Literature cited by the submitters: PubMed 10712197 (cited by Labcorp Genetics (formerly Invitae), Labcorp); PubMed 23913538 (cited by Labcorp Genetics (formerly Invitae), Labcorp).